The following is an entry in ClinVar:

ClinVar aggregate classification (germline): Pathogenic (1 of 4 stars; one submission).

Conditions:
Hereditary cancer-predisposing syndrome. Also called: Neoplastic Syndromes, Hereditary; Hereditary Cancer Syndrome; Tumor predisposition; Hereditary neoplastic syndrome. Identifiers: Orphanet 140162, MedGen C0027672, MeSH D009386, MONDO:0015356.

Submission:

GeneKor MSA
Classification: Pathogenic for Hereditary cancer-predisposing syndrome. Last evaluated: 2020-01-01. Review status: criteria provided, single submitter. Criteria: ACMG Guidelines, 2015. Collection method: clinical testing. Allele origin: germline.
Comment: This variant is a large genomic deletion which encompasses two exons (12-13) of the BRCA2 gene. It is expected to result in an absent or disrupted protein product. Truncating variants in BRCA2 are known to be pathogenic (PMID: 20104584). This variant has been described in the international literature in an individual undergoing panel testing for hereditary syndrome (PMID: 31159747).

deletion of exons 12-13

NM_000059.3(BRCA2):c.(6841+1_6842-1)_(7007+1_7008-1)del

Gene: BRCA2 (BRCA2 DNA repair associated; plus strand).
Variant type: Deletion.
Coding change: c.(6841+1_6842-1)_(7007+1_7008-1)del on transcript NM_000059.3; a large deletion whose breakpoints are not mapped to the base.
Other names: c.(6841+1_6842-1)_(7007+1_7008-1)del (LRG_293t1).
Identifiers: ClinVar variation 584575 (VCV000584575.2).